The following is an entry in ClinVar:

NM_032444.4(SLX4):c.1132C>A (p.Pro378Thr)

Gene: SLX4 (SLX4 structure-specific endonuclease subunit; minus strand). Cytogenetic location: 16p13.3.
Variant type: single nucleotide variant.
Coding change: c.1132C>A on transcript NM_032444.4 (MANE Select); coding-DNA position 1132, C replaced by A.
Protein change: p.Pro378Thr; replaces proline 378 with threonine.
Molecular consequence: missense variant.
Genome position (GRCh38, 1-based): chr16:3,601,010, G>T on the plus strand (C>A on the coding strand, the complement: SLX4 is on the minus strand). VCF-style: chr16-3601010-G-T. GRCh37 (hg19) VCF-style: chr16-3651011-G-T.
Other names: short protein forms P378T.
Identifiers: ClinVar variation 929598 (VCV000929598.1), dbSNP rs758572814, ClinGen allele CA394531370.

ClinVar aggregate classification (germline): Likely benign (0 of 4 stars; one submission).

Allele frequency attached by ClinVar (database versions not stated): TOPMed below 0.00001.
gnomAD v4.1: 1 of 1,613,790 alleles (0.000062%); highest among the groups gnomAD compares: Non-Finnish European, 0.000085%; no homozygotes.

Submission:

Leiden Open Variation Database
Classification: Likely benign. Last evaluated: 2012-08-31. Review status: no assertion criteria provided. Collection method: curation. Allele origin: germline. Affected: yes.
Comment: Curator: Arleen D. Auerbach. Submitter to LOVD: Janine Bakker.

Literature cited by the submitters: PubMed 22911665.